The following is an entry in ClinVar:

NM_001655.5(ARCN1):c.613A>C (p.Ile205Leu)

Gene: ARCN1 (archain 1 coat protein complex I subunit delta; plus strand). Cytogenetic location: 11q23.3.
Variant type: single nucleotide variant.
Coding change: c.613A>C on transcript NM_001655.5 (MANE Select); coding-DNA position 613, A replaced by C.
Protein change: p.Ile205Leu; replaces isoleucine 205 with leucine.
Molecular consequence: missense variant.
Genome position (GRCh38, 1-based): chr11:118,583,974, A>C. VCF-style: chr11-118583974-A-C. GRCh37 (hg19) VCF-style: chr11-118454689-A-C.
Other names: c.349A>C, p.Ile117Leu (NM_001142281.2); short protein forms I205L, I117L.
Identifiers: ClinVar variation 1378776 (VCV001378776.6), dbSNP rs782489814, ClinGen allele CA6306097.
Genomic context (GRCh38, chr11:118,583,974, plus strand): 5'-GGATTTGGCAGCTCTGCAGTATCTGGAGGCAGCACAGCTGCCATGATCACAGAGACCATC[A>C]TTGAAACTGATAAACCAAAAGTGGCACCTGCACCAGCCAGGTATAATCCAGTGTACTTTA-3'
Protein context (NP_001646.2, residues 195-215): STAAMITETI[Ile205Leu]ETDKPKVAPA

ClinVar aggregate classification (germline): Uncertain significance (1 of 4 stars; one submission).

Submission:

Labcorp Genetics (formerly Invitae), Labcorp
Classification: Uncertain significance. Last evaluated: 2021-11-07. Review status: criteria provided, single submitter. Criteria: Invitae Variant Classification Sherloc (09022015). Collection method: clinical testing. Allele origin: germline.
Comment: This sequence change replaces isoleucine, which is neutral and non-polar, with leucine, which is neutral and non-polar, at codon 205 of the ARCN1 protein (p.Ile205Leu). This variant is present in population databases (rs782489814, gnomAD 0.006%). This variant has not been reported in the literature in individuals affected with ARCN1-related conditions. Algorithms developed to predict the effect of missense changes on protein structure and function (SIFT, PolyPhen-2, Align-GVGD) all suggest that this variant is likely to be tolerated. In summary, the available evidence is currently insufficient to determine the role of this variant in disease. Therefore, it has been classified as a Variant of Uncertain Significance.